The following is an entry in ClinVar:

ClinVar aggregate classification (germline): Uncertain significance. Review status: criteria provided, multiple submitters, no conflicts (2 of 4 stars). 2 submissions from 2 submitters: Uncertain significance (2). Last evaluated 2022-09-22.

Conditions:
Inborn genetic diseases. Identifiers: MedGen C0950123, MeSH D030342.
Schneckenbecken dysplasia. Identifiers: Orphanet 3144, MedGen C0432194, MONDO:0010013, OMIM 269250.

Allele frequency attached by ClinVar (database versions not stated): gnomAD exomes below 0.00001; gnomAD 0.00001; TOPMed 0.00001.
gnomAD v4.1: 37 of 1,613,180 alleles (0.0023%); highest among the groups gnomAD compares: Non-Finnish European, 0.0031%; no homozygotes.

Submissions (2):

Ambry Genetics
Classification: Uncertain significance for Inborn genetic diseases. Last evaluated: 2022-09-22. Review status: criteria provided, single submitter. Criteria: Ambry Variant Classification Scheme 2023. Collection method: clinical testing. Allele origin: germline.

Labcorp Genetics (formerly Invitae), Labcorp
Classification: Uncertain significance for Schneckenbecken dysplasia. Last evaluated: 2022-06-20. Review status: criteria provided, single submitter. Criteria: Invitae Variant Classification Sherloc (09022015). Collection method: clinical testing. Allele origin: germline.
Comment: This sequence change replaces lysine, which is basic and polar, with glutamic acid, which is acidic and polar, at codon 13 of the SLC35D1 protein (p.Lys13Glu). This variant is present in population databases (no rsID available, gnomAD 0.0009%). This variant has not been reported in the literature in individuals affected with SLC35D1-related conditions. ClinVar contains an entry for this variant (Variation ID: 1013855). Algorithms developed to predict the effect of missense changes on protein structure and function (SIFT, PolyPhen-2, Align-GVGD) all suggest that this variant is likely to be tolerated. In summary, the available evidence is currently insufficient to determine the role of this variant in disease. Therefore, it has been classified as a Variant of Uncertain Significance.

NM_015139.3(SLC35D1):c.37A>G (p.Lys13Glu)

Gene: SLC35D1 (solute carrier family 35 member D1; minus strand). Cytogenetic location: 1p31.3.
Variant type: single nucleotide variant.
Coding change: c.37A>G on transcript NM_015139.3 (MANE Select); coding-DNA position 37, A replaced by G.
Protein change: p.Lys13Glu; replaces lysine 13 with glutamic acid.
Molecular consequence: missense variant.
Genome position (GRCh38, 1-based): chr1:67,053,977, T>C on the plus strand (A>G on the coding strand, the complement: SLC35D1 is on the minus strand). VCF-style: chr1-67053977-T-C. GRCh37 (hg19) VCF-style: chr1-67519660-T-C.
Other names: c.37A>G (NM_015139.2); short protein forms K13E.
Identifiers: ClinVar variation 1013855 (VCV001013855.7), dbSNP rs1312681860, ClinGen allele CA340708741.